The following is an entry in ClinVar:

ClinVar aggregate classification (germline): Conflicting classifications of pathogenicity. Review status: criteria provided, conflicting classifications (1 of 4 stars). 3 submissions from 3 submitters: Uncertain significance (1); Likely benign (1). 1 of the submissions does not count toward it. Last evaluated 2025-10-07.

Conditions:
GNAL-related disorder. Also called: GNAL-related condition.
Dystonic disorder. Also called: Dystonia. Identifiers: MedGen C0013421, MONDO:0003441, HP:0001332.

Allele frequency attached by ClinVar (database versions not stated): ExAC 0.00007; ESP Exome Variant Server 0.00008; gnomAD exomes 0.00008 and 0.00010; gnomAD 0.00017 and 0.00020.
gnomAD v4.1: 164 of 1,543,462 alleles (0.011%); highest among the groups gnomAD compares: African/African-American, 0.061%; no homozygotes.

Submissions (3):

Labcorp Genetics (formerly Invitae), Labcorp
Classification: Uncertain significance for Dystonic disorder. Last evaluated: 2025-10-07. Review status: criteria provided, single submitter. Criteria: Invitae Variant Classification Sherloc (09022015). Collection method: clinical testing. Allele origin: germline.
Comment: This sequence change affects codon 310 of the GNAL mRNA. It is a 'silent' change, meaning that it does not change the encoded amino acid sequence of the GNAL protein. It affects a nucleotide within the consensus splice site. This variant is present in population databases (rs201861102, gnomAD 0.04%), and has an allele count higher than expected for a pathogenic variant. This variant has not been reported in the literature in individuals affected with GNAL-related conditions. ClinVar contains an entry for this variant (Variation ID: 1357811). Algorithms developed to predict the effect of sequence changes on RNA splicing suggest that this variant is not likely to affect RNA splicing. In summary, the available evidence is currently insufficient to determine the role of this variant in disease. Therefore, it has been classified as a Variant of Uncertain Significance.

Blueprint Genetics
Classification: Likely benign. Last evaluated: 2024-01-26. Review status: criteria provided, single submitter. Criteria: ACMG Guidelines, 2015. Collection method: clinical testing. Allele origin: germline.

PreventionGenetics, part of Exact Sciences
Classification: Likely benign for GNAL-related condition. Last evaluated: 2019-04-30. Review status: no assertion criteria provided. Collection method: clinical testing. Allele origin: germline. Not counted in ClinVar's aggregate classification.
Comment: This variant is classified as likely benign based on ACMG/AMP sequence variant interpretation guidelines (Richards et al. 2015 PMID: 25741868, with internal and published modifications).

NM_182978.4(GNAL):c.1161C>T (p.Asp387=)

Gene: GNAL (G protein subunit alpha L; plus strand). Cytogenetic location: 18p11.21.
Variant type: single nucleotide variant.
Coding change: c.1161C>T on transcript NM_182978.4 (MANE Select); coding-DNA position 1161, C replaced by T.
Protein change: p.Asp387=; no amino-acid change (aspartic acid 387 retained).
Molecular consequence: synonymous variant.
Genome position (GRCh38, 1-based): chr18:11,872,397, C>T. VCF-style: chr18-11872397-C-T. GRCh37 (hg19) VCF-style: chr18-11872396-C-T.
Other names: c.930C>T, p.Asp310= (NM_001142339.3, NM_001261443.2, NM_001369387.1); c.309C>T, p.Asp103= (NM_001261444.2); c.930C>T (NM_001142339.2).
Identifiers: ClinVar variation 1357811 (VCV001357811.11), dbSNP rs201861102, ClinGen allele CA8894216.